The following is an entry in ClinVar:

NM_000179.3(MSH6):c.4033G>A (p.Val1345Ile)

Gene: MSH6 (mutS homolog 6; plus strand). Cytogenetic location: 2p16.3.
Variant type: single nucleotide variant.
Coding change: c.4033G>A on transcript NM_000179.3 (MANE Select); coding-DNA position 4033, G replaced by A.
Protein change: p.Val1345Ile; replaces valine 1345 with isoleucine.
Molecular consequence: missense variant.
Genome position (GRCh38, 1-based): chr2:47,806,810, G>A. VCF-style: chr2-47806810-G-A. GRCh37 (hg19) VCF-style: chr2-48033949-G-A.
Other names: c.3643G>A, p.Val1215Ile (NM_001281492.2); c.3127G>A, p.Val1043Ile (NM_001281493.2, NM_001281494.2); short protein forms V1345I, V1215I, V1043I.
Identifiers: ClinVar variation 495720 (VCV000495720.19), dbSNP rs747613376, ClinGen allele CA072821.

ClinVar aggregate classification (germline): Conflicting classifications of pathogenicity. Review status: criteria provided, conflicting classifications (1 of 4 stars). 6 submissions from 6 submitters: Uncertain significance (4); Likely benign (1). 1 of the submissions does not count toward it. Last evaluated 2025-07-09.

Conditions:
MSH6-related disorder. Also called: MSH6-related condition; MSH6-Related disorders.
Hereditary cancer-predisposing syndrome. Also called: Tumor predisposition; Neoplastic Syndromes, Hereditary; Hereditary neoplastic syndrome; Hereditary Cancer Syndrome. Identifiers: Orphanet 140162, MedGen C0027672, MeSH D009386, MONDO:0015356.
Hereditary nonpolyposis colorectal neoplasms. Identifiers: MedGen C0009405, MeSH D003123.

Allele frequency attached by ClinVar (database versions not stated): ExAC 0.00001; gnomAD exomes 0.00001.

Submissions (6):

Labcorp Genetics (formerly Invitae), Labcorp
Classification: Likely benign for Hereditary nonpolyposis colorectal neoplasms. Last evaluated: 2025-07-09. Review status: criteria provided, single submitter. Criteria: Invitae Variant Classification Sherloc (09022015). Collection method: clinical testing. Allele origin: germline.

Ambry Genetics
Classification: Uncertain significance for Hereditary cancer-predisposing syndrome. Last evaluated: 2024-09-15. Review status: criteria provided, single submitter. Criteria: Ambry Variant Classification Scheme 2023. Collection method: clinical testing. Allele origin: germline.
Comment: The p.V1345I variant (also known as c.4033G>A), located in coding exon 10 of the MSH6 gene, results from a G to A substitution at nucleotide position 4033. The valine at codon 1345 is replaced by isoleucine, an amino acid with highly similar properties. This amino acid position is conserved. In addition, this alteration is predicted to be tolerated by in silico analysis. Based on the available evidence, the clinical significance of this variant remains unclear.

Color Diagnostics, LLC DBA Color Health
Classification: Uncertain significance for Hereditary cancer-predisposing syndrome. Last evaluated: 2023-12-05. Review status: criteria provided, single submitter. Criteria: ACMG Guidelines, 2015. Collection method: clinical testing. Allele origin: germline.
Comment: This missense variant replaces valine with isoleucine at codon 1345 of the MSH6 protein. Computational prediction suggests that this variant may not impact protein structure and function (internally defined REVEL score threshold <= 0.5, PMID: 27666373). To our knowledge, functional studies have not been reported for this variant. This variant has not been reported in individuals affected with MSH6-related disorders in the literature. This variant has been identified in 2/250742 chromosomes in the general population by the Genome Aggregation Database (gnomAD). The available evidence is insufficient to determine the role of this variant in disease conclusively. Therefore, this variant is classified as a Variant of Uncertain Significance.

GeneDx
Classification: Uncertain significance. Last evaluated: 2023-07-19. Review status: criteria provided, single submitter. Criteria: GeneDx Variant Classification Process June 2021. Collection method: clinical testing. Allele origin: germline. Affected: yes.
Comment: Not observed at significant frequency in large population cohorts (gnomAD); In silico analysis supports that this missense variant does not alter protein structure/function; Has not been previously published as pathogenic or benign to our knowledge; This variant is associated with the following publications: (PMID: 17531815, 21120944, 12019211)

Women's Health and Genetics/Laboratory Corporation of America, LabCorp
Classification: Uncertain significance. Last evaluated: 2017-07-21. Review status: criteria provided, single submitter. Criteria: LabCorp Variant Classification Summary - May 2015. Collection method: clinical testing. Allele origin: germline.
Comment: Variant summary: The MSH6 c.4033G>A (p.Val1345Ile) variant involves the alteration of a non-conserved nucleotide and 5/5 in silico tools predict a benign outcome for this variant. However, these predictions have yet to be functionally assessed. This variant was found in 2/245582 control chromosomes at a frequency of 0.0000081, which does not exceed the estimated maximal expected allele frequency of a pathogenic MSH6 variant (0.0001421). The variant of interest has not, to our knowledge, been reported in affected individuals via publications and/or reputable databases/clinical diagnostic laboratories. Because of the absence of clinical information and the lack of functional studies, the variant is classified as a "Variant of Uncertain Significance (VUS)," until additional information becomes available.

PreventionGenetics, part of Exact Sciences
Classification: Uncertain significance for MSH6-related condition. Last evaluated: 2024-02-05. Review status: no assertion criteria provided. Collection method: clinical testing. Allele origin: germline. Not counted in ClinVar's aggregate classification.
Comment: The MSH6 c.4033G>A variant is predicted to result in the amino acid substitution p.Val1345Ile. To our knowledge, this variant has not been reported in the literature. This variant is reported in 0.0033% of alleles in individuals of South Asian descent in gnomAD and is interpreted as uncertain significance and likely benign in ClinVar. At this time, the clinical significance of this variant is uncertain due to the absence of conclusive functional and genetic evidence.